The following is an entry in ClinVar:

NM_004994.3(MMP9):c.381C>G (p.Asn127Lys)

Gene: MMP9 (matrix metallopeptidase 9; plus strand). Cytogenetic location: 20q13.12.
Variant type: single nucleotide variant.
Coding change: c.381C>G on transcript NM_004994.3 (MANE Select); coding-DNA position 381, C replaced by G.
Protein change: p.Asn127Lys; replaces asparagine 127 with lysine.
Molecular consequence: missense variant.
Genome position (GRCh38, 1-based): chr20:46,010,492, C>G. VCF-style: chr20-46010492-C-G. GRCh37 (hg19) VCF-style: chr20-44639131-C-G.
Other names: short protein forms N127K.
Identifiers: ClinVar variation 1518632 (VCV001518632.6), dbSNP rs3918252, ClinGen allele CA9886374.

ClinVar aggregate classification (germline): Uncertain significance (1 of 4 stars; one submission).

Allele frequency attached by ClinVar (database versions not stated): gnomAD exomes 0.00002 and 0.00004; ExAC 0.00006; TOPMed 0.00019; gnomAD 0.00022 and 0.00024; ESP Exome Variant Server 0.00023.
gnomAD v4.1: 58 of 1,614,052 alleles (0.0036%); highest among the groups gnomAD compares: African/African-American, 0.075%; no homozygotes.

Submission:

Labcorp Genetics (formerly Invitae), Labcorp
Classification: Uncertain significance. Last evaluated: 2025-01-08. Review status: criteria provided, single submitter. Criteria: Invitae Variant Classification Sherloc (09022015). Collection method: clinical testing. Allele origin: germline.
Comment: This sequence change replaces asparagine, which is neutral and polar, with lysine, which is basic and polar, at codon 127 of the MMP9 protein (p.Asn127Lys). This variant is present in population databases (rs3918252, gnomAD 0.07%), and has an allele count higher than expected for a pathogenic variant. This variant has not been reported in the literature in individuals affected with MMP9-related conditions. ClinVar contains an entry for this variant (Variation ID: 1518632). Invitae Evidence Modeling of protein sequence and biophysical properties (such as structural, functional, and spatial information, amino acid conservation, physicochemical variation, residue mobility, and thermodynamic stability) indicates that this missense variant is not expected to disrupt MMP9 protein function with a negative predictive value of 80%. In summary, the available evidence is currently insufficient to determine the role of this variant in disease. Therefore, it has been classified as a Variant of Uncertain Significance.